The following is an entry in ClinVar:

NM_022168.4(IFIH1):c.581T>C (p.Val194Ala)

Gene: IFIH1 (interferon induced with helicase C domain 1; minus strand). Cytogenetic location: 2q24.2.
Variant type: single nucleotide variant.
Coding change: c.581T>C on transcript NM_022168.4 (MANE Select); coding-DNA position 581, T replaced by C.
Protein change: p.Val194Ala; replaces valine 194 with alanine.
Molecular consequence: missense variant.
Genome position (GRCh38, 1-based): chr2:162,310,806, A>G on the plus strand (T>C on the coding strand, the complement: IFIH1 is on the minus strand). VCF-style: chr2-162310806-A-G. GRCh37 (hg19) VCF-style: chr2-163167316-A-G.
Other names: short protein forms V194A.
Identifiers: ClinVar variation 4789327 (VCV004789327.1).

ClinVar aggregate classification (germline): Uncertain significance (1 of 4 stars; one submission).

Conditions:
Singleton-Merten syndrome 1 (SGMRT1). Also called: Widened medullary cavities of bone, aortic calcification, abnormal dentition, and muscular weakness; Syndrome of widened medullary cavities of the metacarpals and phalanges, aortic calcification and abnormal dentition. Identifiers: Orphanet 85191, MedGen C4225427, MONDO:0024535, OMIM 182250.
Aicardi-Goutieres syndrome 7 (AGS7). Identifiers: Orphanet 51, MedGen C3888244, MONDO:0014367, OMIM 615846.

gnomAD v4.1: 1 of 1,613,864 alleles (0.000062%); highest among the groups gnomAD compares: East Asian, 0.0022%; no homozygotes.

Submission:

Labcorp Genetics (formerly Invitae), Labcorp
Classification: Uncertain significance for Aicardi-Goutieres syndrome 7; Singleton-Merten syndrome 1. Last evaluated: 2025-12-22. Review status: criteria provided, single submitter. Criteria: Invitae Variant Classification Sherloc (09022015). Collection method: clinical testing. Allele origin: germline.
Comment: This sequence change replaces valine, which is neutral and non-polar, with alanine, which is neutral and non-polar, at codon 194 of the IFIH1 protein (p.Val194Ala). This variant is not present in population databases (gnomAD no frequency). This variant has not been reported in the literature in individuals affected with IFIH1-related conditions. An algorithm developed to predict the effect of missense changes on protein structure and function outputs the following: PolyPhen-2: "Benign". The alanine amino acid residue is found in multiple mammalian species, which suggests that this missense change does not adversely affect protein function. In summary, the available evidence is currently insufficient to determine the role of this variant in disease. Therefore, it has been classified as a Variant of Uncertain Significance.